The following is an entry in ClinVar:

NM_020458.4(TTC7A):c.1015A>G (p.Lys339Glu)

Gene: TTC7A (tetratricopeptide repeat domain 7A; plus strand). Cytogenetic location: 2p21.
Variant type: single nucleotide variant.
Coding change: c.1015A>G on transcript NM_020458.4 (MANE Select); coding-DNA position 1015, A replaced by G.
Protein change: p.Lys339Glu; replaces lysine 339 with glutamic acid.
Molecular consequence: missense variant. On other transcripts: 5 prime UTR variant (1).
Genome position (GRCh38, 1-based): chr2:46,995,149, A>G. VCF-style: chr2-46995149-A-G. GRCh37 (hg19) VCF-style: chr2-47222288-A-G.
Other names: c.1015A>G, p.Lys339Glu (NM_001288951.2); c.913A>G, p.Lys305Glu (NM_001288953.2); c.-48A>G (NM_001288955.2); c.1015A>G (NM_020458.2); short protein forms K305E, K339E.
Identifiers: ClinVar variation 851238 (VCV000851238.8), dbSNP rs370815748, ClinGen allele CA1647452.

ClinVar aggregate classification (germline): Uncertain significance. Review status: criteria provided, multiple submitters, no conflicts (2 of 4 stars). 2 submissions from 2 submitters: Uncertain significance (2). Last evaluated 2025-05-19.

Conditions:
Inborn genetic diseases. Identifiers: MedGen C0950123, MeSH D030342.
Multiple gastrointestinal atresias. Also called: Multiple intestinal atresia; FAMILIAL INTESTINAL POLYATRESIA SYNDROME. Identifiers: Orphanet 2300, MedGen C0220744, MONDO:0009465.

Allele frequency attached by ClinVar (database versions not stated): ExAC 0.00002; gnomAD 0.00003 and 0.00004; TOPMed 0.00004; ESP Exome Variant Server 0.00008; gnomAD exomes 0.00006 and 0.00001.
gnomAD v4.1: 96 of 1,613,994 alleles (0.0059%); highest among the groups gnomAD compares: Non-Finnish European, 0.0071%; no homozygotes.

Submissions (2):

Ambry Genetics
Classification: Uncertain significance for Inborn genetic diseases. Last evaluated: 2025-05-19. Review status: criteria provided, single submitter. Criteria: Ambry Variant Classification Scheme 2023. Collection method: clinical testing. Allele origin: germline.

Labcorp Genetics (formerly Invitae), Labcorp
Classification: Uncertain significance for Multiple gastrointestinal atresias. Last evaluated: 2022-08-06. Review status: criteria provided, single submitter. Criteria: Invitae Variant Classification Sherloc (09022015). Collection method: clinical testing. Allele origin: germline.
Comment: This sequence change replaces lysine, which is basic and polar, with glutamic acid, which is acidic and polar, at codon 339 of the TTC7A protein (p.Lys339Glu). This variant is present in population databases (rs370815748, gnomAD 0.003%). This variant has not been reported in the literature in individuals affected with TTC7A-related conditions. ClinVar contains an entry for this variant (Variation ID: 851238). Algorithms developed to predict the effect of missense changes on protein structure and function (SIFT, PolyPhen-2, Align-GVGD) all suggest that this variant is likely to be tolerated. In summary, the available evidence is currently insufficient to determine the role of this variant in disease. Therefore, it has been classified as a Variant of Uncertain Significance.